The following is an entry in ClinVar:

NM_001378120.1(MBD5):c.4844C>A (p.Thr1615Lys)

Gene: MBD5 (methyl-CpG binding domain protein 5; plus strand). Cytogenetic location: 2q23.1.
Variant type: single nucleotide variant.
Coding change: c.4844C>A on transcript NM_001378120.1 (MANE Select); coding-DNA position 4844, C replaced by A.
Protein change: p.Thr1615Lys; replaces threonine 1615 with lysine.
Molecular consequence: missense variant.
Genome position (GRCh38, 1-based): chr2:148,490,476, C>A. VCF-style: chr2-148490476-C-A. GRCh37 (hg19) VCF-style: chr2-149248045-C-A.
Other names: c.4145C>A, p.Thr1382Lys (NM_018328.5); short protein forms T1382K, T1615K.
Identifiers: ClinVar variation 3357663 (VCV003357663.1).
Genomic context (GRCh38, chr2:148,490,476, plus strand): 5'-ATGACCTAAGGAACCCAGACTCCCCCTCTTCAAATGAATTGATACATTATAGACCAAGGA[C>A]GTTCAATGTTGGCGACTTGGTCTGGGGCCAAATCAAAGGACTGACTTCCTGGCCTGGAAA-3'
Protein context (NP_001365049.1, residues 1605-1625): SNELIHYRPR[Thr1615Lys]FNVGDLVWGQ

ClinVar aggregate classification (germline): Uncertain significance (0 of 4 stars; one submission).

Conditions:
MBD5-related disorder. Also called: MBD5-related condition.

Submission:

PreventionGenetics, part of Exact Sciences
Classification: Uncertain significance for MBD5-related condition. Last evaluated: 2024-07-11. Review status: no assertion criteria provided. Collection method: clinical testing. Allele origin: germline.
Comment: The MBD5 c.4145C>A variant is predicted to result in the amino acid substitution p.Thr1382Lys. To our knowledge, this variant has not been reported in the literature. This variant is reported in 0.00088% of alleles in individuals of European (Non-Finnish) descent in gnomAD. At this time, the clinical significance of this variant is uncertain due to the absence of conclusive functional and genetic evidence.